The following is an entry in ClinVar:

ClinVar aggregate classification (germline): Uncertain significance (1 of 4 stars; one submission).

gnomAD v4.1: 1 of 1,613,756 alleles (0.000062%); highest among the groups gnomAD compares: Non-Finnish European, 0.000085%; no homozygotes.

Submission:

Labcorp Genetics (formerly Invitae), Labcorp
Classification: Uncertain significance. Last evaluated: 2023-12-08. Review status: criteria provided, single submitter. Criteria: Invitae Variant Classification Sherloc (09022015). Collection method: clinical testing. Allele origin: germline.
Comment: This sequence change creates a premature translational stop signal (p.Arg502*) in the SCN3A gene. It is expected to result in an absent or disrupted protein product. However, the current clinical and genetic evidence is not sufficient to establish whether loss-of-function variants in SCN3A cause disease. This variant is not present in population databases (gnomAD no frequency). This variant has not been reported in the literature in individuals affected with SCN3A-related conditions. In summary, the available evidence is currently insufficient to determine the role of this variant in disease. Therefore, it has been classified as a Variant of Uncertain Significance.

NM_006922.4(SCN3A):c.1504C>T (p.Arg502Ter)

Gene: SCN3A (sodium voltage-gated channel alpha subunit 3; minus strand). Cytogenetic location: 2q24.3.
Variant type: single nucleotide variant.
Coding change: c.1504C>T on transcript NM_006922.4 (MANE Select); coding-DNA position 1504, C replaced by T.
Protein change: p.Arg502Ter; replaces arginine 502 with a stop codon.
Molecular consequence: nonsense.
Genome position (GRCh38, 1-based): chr2:165,146,906, G>A on the plus strand (C>T on the coding strand, the complement: SCN3A is on the minus strand). VCF-style: chr2-165146906-G-A. GRCh37 (hg19) VCF-style: chr2-166003416-G-A.
Other names: c.1504C>T, p.Arg502Ter (NM_001081676.2, NM_001081677.2); short protein forms R502*.
Identifiers: ClinVar variation 2701440 (VCV002701440.3), dbSNP rs755690137, ClinGen allele CA349236610.